The following is an entry in ClinVar:

NM_001365536.1(SCN9A):c.1277T>G (p.Met426Arg)

Genes: SCN9A (sodium voltage-gated channel alpha subunit 9; minus strand), SCN1A-AS1 (SCN1A and SCN9A antisense RNA 1; plus strand). Cytogenetic location: 2q24.3.
Variant type: single nucleotide variant.
Coding change: c.1277T>G on transcript NM_001365536.1 (MANE Select); coding-DNA position 1277, T replaced by G.
Protein change: p.Met426Arg; replaces methionine 426 with arginine.
Molecular consequence: missense variant.
Genome position (GRCh38, 1-based): chr2:166,288,474, A>C on the plus strand (T>G on the coding strand, the complement: SCN9A is on the minus strand). VCF-style: chr2-166288474-A-C. GRCh37 (hg19) VCF-style: chr2-167144984-A-C.
Other names: c.1277T>G, p.Met426Arg (NM_002977.4); short protein forms M426R.
Identifiers: ClinVar variation 2935611 (VCV002935611.3), dbSNP rs200415928, ClinGen allele CA349085720.

ClinVar aggregate classification (germline): Uncertain significance (1 of 4 stars; one submission).

Conditions:
Neuropathy, hereditary sensory and autonomic, type 2A (HSAN2A). Also called: MORVAN DISEASE; NEUROPATHY, CONGENITAL SENSORY; NEUROPATHY, HEREDITARY SENSORY RADICULAR, AUTOSOMAL RECESSIVE; NEUROPATHY, HEREDITARY SENSORY, TYPE IIA; NEUROPATHY, PROGRESSIVE SENSORY, OF CHILDREN; ACROOSTEOLYSIS, GIACCAI TYPE. Identifiers: Orphanet 970, MedGen C2752089, MONDO:0024309, OMIM 201300.
Generalized epilepsy with febrile seizures plus, type 7 (GEFSP7). Also called: GEFS+, TYPE 7. Identifiers: Orphanet 36387, MedGen C2751778, MONDO:0013470, OMIM 613863.

Submission:

Labcorp Genetics (formerly Invitae), Labcorp
Classification: Uncertain significance for Neuropathy, hereditary sensory and autonomic, type 2A; Generalized epilepsy with febrile seizures plus, type 7. Last evaluated: 2023-10-14. Review status: criteria provided, single submitter. Criteria: Invitae Variant Classification Sherloc (09022015). Collection method: clinical testing. Allele origin: germline.
Comment: This sequence change replaces methionine, which is neutral and non-polar, with arginine, which is basic and polar, at codon 426 of the SCN9A protein (p.Met426Arg). This variant is not present in population databases (gnomAD no frequency). This variant has not been reported in the literature in individuals affected with SCN9A-related conditions. Advanced modeling of protein sequence and biophysical properties (such as structural, functional, and spatial information, amino acid conservation, physicochemical variation, residue mobility, and thermodynamic stability) performed at Invitae indicates that this missense variant is not expected to disrupt SCN9A protein function. In summary, the available evidence is currently insufficient to determine the role of this variant in disease. Therefore, it has been classified as a Variant of Uncertain Significance.